The following is an entry in ClinVar:

NM_004260.4(RECQL4):c.41G>A (p.Trp14Ter)

Genes: RECQL4 (RecQ like helicase 4; minus strand), LOC130001411 (ATAC-STARR-seq lymphoblastoid silent region 19699; plus strand). Cytogenetic location: 8q24.3.
Variant type: single nucleotide variant.
Coding change: c.41G>A on transcript NM_004260.4 (MANE Select); coding-DNA position 41, G replaced by A.
Protein change: p.Trp14Ter; replaces tryptophan 14 with a stop codon.
Molecular consequence: nonsense. On other transcripts: 5 prime UTR variant (17), non-coding transcript variant (3).
Genome position (GRCh38, 1-based): chr8:144,517,744, C>T on the plus strand (G>A on the coding strand, the complement: RECQL4 is on the minus strand). VCF-style: chr8-144517744-C-T. GRCh37 (hg19) VCF-style: chr8-145743128-C-T.
Other names: c.41G>A, p.Trp14Ter (NM_001413017.1, NM_001413018.1, NM_001413019.1 and 6 more transcripts); c.-745G>A (NM_001413021.1); c.-1096G>A (NM_001413022.1, NM_001413023.1, NM_001413037.1 and 2 more transcripts); c.-993G>A (NM_001413024.1); c.-1093G>A (NM_001413027.1); c.-821G>A (NM_001413028.1); c.-1158G>A (NM_001413030.1, NM_001413031.1, NM_001413041.1); c.-990G>A (NM_001413032.1); and 4 more; short protein forms W14*.
Identifiers: ClinVar variation 4851856 (VCV004851856.1).

ClinVar aggregate classification (germline): Likely pathogenic (1 of 4 stars; one submission).

Submission:

Dasa
Classification: Likely pathogenic. Last evaluated: 2025-11-13. Review status: criteria provided, single submitter. Criteria: DASA Assertion Criteria. Collection method: clinical testing. Allele origin: germline.
Comment: NM_004260.4(RECQL4):c.41G>A (p.Trp14*) introduces a premature termination codon predicted to result in loss of normal protein function. Loss-of-function is an established mechanism of disease for this gene. The variant is present at low frequency in population datasets. Based on the available data, this variant is classified as likely pathogenic.